The following is an entry in ClinVar:

NM_001378454.1(ALMS1):c.5830A>T (p.Arg1944Ter)

Gene: ALMS1 (ALMS1 centrosome and basal body associated protein; plus strand). Cytogenetic location: 2p13.1.
Variant type: single nucleotide variant.
Coding change: c.5830A>T on transcript NM_001378454.1 (MANE Select); coding-DNA position 5830, A replaced by T.
Protein change: p.Arg1944Ter; replaces arginine 1944 with a stop codon.
Molecular consequence: nonsense.
Genome position (GRCh38, 1-based): chr2:73,452,357, A>T. VCF-style: chr2-73452357-A-T. GRCh37 (hg19) VCF-style: chr2-73679484-A-T.
Other names: c.5833A>T, p.Arg1945Ter (NM_015120.4); short protein forms R1944*, R1945*.
Identifiers: ClinVar variation 1726827 (VCV001726827.2), dbSNP rs2466106587, ClinGen allele CA347283447.

ClinVar aggregate classification (germline): Likely pathogenic (1 of 4 stars; one submission).

Conditions:
Alstrom syndrome (ALMS). Identifiers: Orphanet 64, MedGen C0268425, MONDO:0008763, OMIM 203800.

Submission:

Myriad Genetics, Inc.
Classification: Likely pathogenic for Alstrom syndrome. Last evaluated: 2022-01-02. Review status: criteria provided, single submitter. Criteria: Myriad Women's Health Autosomal Recessive and X-Linked Classification Criteria (2021). Collection method: clinical testing. Allele origin: unknown.
Comment: NM_015120.4(ALMS1):c.5833A>T(R1945*) is expected to be pathogenic in the context of Alstrom syndrome. This variant is predicted to lead to an abnormal or absent protein product due to the creation of a premature termination codon in ALMS1, a gene where loss-of-function variants are known to be pathogenic. Please note: this variant was assessed in the context of healthy population screening.